The following is an entry in ClinVar:

NM_206933.4(USH2A):c.15247C>T (p.Gln5083Ter)

Gene: USH2A (usherin; minus strand). Cytogenetic location: 1q41.
Variant type: single nucleotide variant.
Coding change: c.15247C>T on transcript NM_206933.4 (MANE Select); coding-DNA position 15247, C replaced by T.
Protein change: p.Gln5083Ter; replaces glutamine 5083 with a stop codon.
Molecular consequence: nonsense.
Genome position (GRCh38, 1-based): chr1:215,634,509, G>A on the plus strand (C>T on the coding strand, the complement: USH2A is on the minus strand). VCF-style: chr1-215634509-G-A. GRCh37 (hg19) VCF-style: chr1-215807851-G-A.
Other names: short protein forms Q5083*.
Identifiers: ClinVar variation 1452743 (VCV001452743.6), dbSNP rs2102630468, ClinGen allele CA344823505.

ClinVar aggregate classification (germline): Pathogenic (1 of 4 stars; one submission).

Submission:

Labcorp Genetics (formerly Invitae), Labcorp
Classification: Pathogenic. Last evaluated: 2021-08-28. Review status: criteria provided, single submitter. Criteria: Invitae Variant Classification Sherloc (09022015). Collection method: clinical testing. Allele origin: germline.
Comment: For these reasons, this variant has been classified as Pathogenic. This variant has not been reported in the literature in individuals affected with USH2A-related conditions. This variant is not present in population databases (ExAC no frequency). This sequence change creates a premature translational stop signal (p.Gln5083*) in the USH2A gene. It is expected to result in an absent or disrupted protein product. Loss-of-function variants in USH2A are known to be pathogenic (PMID: 10729113, 10909849, 20507924, 25649381).

Literature cited by the submitters: PubMed 10729113; PubMed 10909849; PubMed 20507924; PubMed 25649381.